The following is an entry in ClinVar:

ClinVar aggregate classification (germline): Uncertain significance (1 of 4 stars; one submission).

Allele frequency attached by ClinVar (database versions not stated): gnomAD exomes below 0.00001.
gnomAD v4.1: 1 of 1,596,272 alleles (0.000063%); highest among the groups gnomAD compares: African/African-American, 0.0013%; no homozygotes.

Submission:

Labcorp Genetics (formerly Invitae), Labcorp
Classification: Uncertain significance. Last evaluated: 2025-08-25. Review status: criteria provided, single submitter. Criteria: Invitae Variant Classification Sherloc (09022015). Collection method: clinical testing. Allele origin: germline.
Comment: This sequence change replaces proline, which is neutral and non-polar, with serine, which is neutral and polar, at codon 973 of the AP3D1 protein (p.Pro973Ser). This variant is not present in population databases (gnomAD no frequency). This variant has not been reported in the literature in individuals affected with AP3D1-related conditions. ClinVar contains an entry for this variant (Variation ID: 2097532). An algorithm developed to predict the effect of missense changes on protein structure and function (PolyPhen-2) suggests that this variant is likely to be tolerated. In summary, the available evidence is currently insufficient to determine the role of this variant in disease. Therefore, it has been classified as a Variant of Uncertain Significance.

NM_001261826.3(AP3D1):c.2917C>T (p.Pro973Ser)

Gene: AP3D1 (adaptor related protein complex 3 subunit delta 1; minus strand). Cytogenetic location: 19p13.3.
Variant type: single nucleotide variant.
Coding change: c.2917C>T on transcript NM_001261826.3 (MANE Select); coding-DNA position 2917, C replaced by T.
Protein change: p.Pro973Ser; replaces proline 973 with serine.
Molecular consequence: missense variant.
Genome position (GRCh38, 1-based): chr19:2,111,699, G>A on the plus strand (C>T on the coding strand, the complement: AP3D1 is on the minus strand). VCF-style: chr19-2111699-G-A. GRCh37 (hg19) VCF-style: chr19-2111698-G-A.
Other names: c.2881C>T, p.Pro961Ser (NM_001374799.1); c.2731C>T, p.Pro911Ser (NM_003938.8); short protein forms P973S, P961S, P911S.
Identifiers: ClinVar variation 2097532 (VCV002097532.4), dbSNP rs2512137082, ClinGen allele CA403203848.